The following is an entry in ClinVar:

ClinVar aggregate classification (germline): Uncertain significance (1 of 4 stars; one submission).

Conditions:
Cardiovascular phenotype. Identifiers: MedGen CN230736.

Submission:

Ambry Genetics
Classification: Uncertain significance for Cardiovascular phenotype. Last evaluated: 2025-05-03. Review status: criteria provided, single submitter. Criteria: Ambry Variant Classification Scheme 2023. Collection method: clinical testing. Allele origin: germline.
Comment: The c.2679_2680delTG variant, located in coding exon 11 of the RBM20 gene, results from a deletion of two nucleotides at nucleotide positions 2679 to 2680, causing a translational frameshift with a predicted alternate stop codon (p.S893Rfs*11). This alteration is expected to result in protein truncation or nonsense-mediated mRNA decay. However, loss of function of RBM20 has not been established as a mechanism of disease. Based on the available evidence, the clinical significance of this alteration remains unclear.

NM_001134363.3(RBM20):c.2679_2680del (p.Ser893fs)

Gene: RBM20 (RNA binding motif protein 20; plus strand). Cytogenetic location: 10q25.2.
Variant type: Deletion.
Coding change: c.2679_2680del on transcript NM_001134363.3 (MANE Select); coding-DNA positions 2679 to 2680, 2 bases deleted (TG; older notation c.2679_2680delTG).
Protein change: p.Ser893fs; shifts the reading frame from serine 893.
Molecular consequence: frameshift variant.
Genome position (GRCh38, 1-based): chr10:110,821,298-110,821,299, TG deleted; deleting any 2 consecutive bases within chr10:110,821,297-110,821,299 gives the same sequence; the c. name uses the placement nearest the transcript's 3' end. VCF-style (leftmost placement, unchanged base first): chr10-110821296-AGT-A. GRCh37 (hg19) VCF-style: chr10-112581054-AGT-A.
Other names: short protein forms S893fs.
Identifiers: ClinVar variation 3943637 (VCV003943637.1).